The following is an entry in ClinVar:

NM_001367721.1(CASK):c.2344G>A (p.Glu782Lys)

Gene: CASK (calcium/calmodulin dependent serine protein kinase; minus strand). Cytogenetic location: Xp11.4.
Variant type: single nucleotide variant.
Coding change: c.2344G>A on transcript NM_001367721.1 (MANE Select); coding-DNA position 2344, G replaced by A.
Protein change: p.Glu782Lys; replaces glutamic acid 782 with lysine.
Molecular consequence: missense variant.
Genome position (GRCh38, 1-based): chrX:41,531,183, C>T on the plus strand (G>A on the coding strand, the complement: CASK is on the minus strand). VCF-style: chrX-41531183-C-T. GRCh37 (hg19) VCF-style: chrX-41390436-C-T.
Other names: c.2260G>A, p.Glu754Lys (NM_001126054.3); c.2257G>A, p.Glu753Lys (NM_001126055.3); c.2326G>A, p.Glu776Lys (NM_001410745.1); c.2329G>A, p.Glu777Lys (NM_003688.4); short protein forms E753K, E754K, E776K, E777K, E782K.
Identifiers: ClinVar variation 3369881 (VCV003369881.1).
Genomic context (GRCh38, chrX:41,531,183, plus strand): 5'-TAGAGATGTCTTGCATCATTTGGTCATGAGATACAAAGTAATAATTCTTTCCATTTTCTT[C>T]GTCTTTCTTTGGAGGTCTGGTTGTATCTGCAAAGTCGCATGGCACAAGAGGTTTAAAAGG-3'
Protein context (NP_001354650.1, residues 772-792): PHTTRPPKKD[Glu782Lys]ENGKNYYFVS

ClinVar aggregate classification (germline): Uncertain significance (1 of 4 stars; one submission).

gnomAD v4.1: 5 of 1,210,558 alleles (0.00041%); highest among the groups gnomAD compares: South Asian, 0.0053%; no homozygotes.

Submission:

GeneDx
Classification: Uncertain significance. Last evaluated: 2024-03-05. Review status: criteria provided, single submitter. Criteria: GeneDx Variant Classification Process June 2021. Collection method: clinical testing. Allele origin: germline. Affected: yes.
Comment: In silico analysis supports that this missense variant has a deleterious effect on protein structure/function; Has not been previously published as pathogenic or benign to our knowledge